The following is an entry in ClinVar:

NM_001127222.2(CACNA1A):c.170G>A (p.Arg57Gln)

Gene: CACNA1A (calcium voltage-gated channel subunit alpha1 A; minus strand). Cytogenetic location: 19p13.13.
Variant type: single nucleotide variant.
Coding change: c.170G>A on transcript NM_001127222.2 (MANE Select); coding-DNA position 170, G replaced by A.
Protein change: p.Arg57Gln; replaces arginine 57 with glutamine.
Molecular consequence: missense variant.
Genome position (GRCh38, 1-based): chr19:13,506,055, C>T on the plus strand (G>A on the coding strand, the complement: CACNA1A is on the minus strand). VCF-style: chr19-13506055-C-T. GRCh37 (hg19) VCF-style: chr19-13616869-C-T.
Other names: c.170G>A, p.Arg57Gln (NM_000068.4, NM_001127221.2, NM_001174080.2 and 1 more transcripts); short protein forms R57Q.
Identifiers: ClinVar variation 2944991 (VCV002944991.3), dbSNP rs2513709171, ClinGen allele CA404971055.

ClinVar aggregate classification (germline): Uncertain significance (1 of 4 stars; one submission).

Conditions:
Episodic ataxia type 2 (EA2). Also called: CEREBELLAR ATAXIA, PAROXYSMAL, ACETAZOLAMIDE-RESPONSIVE; CEREBELLOPATHY, HEREDITARY PAROXYSMAL; EPISODIC ATAXIA, NYSTAGMUS-ASSOCIATED; ACETAZOLAMIDE-RESPONSIVE HEREDITARY PAROXYSMAL CEREBELLAR ATAXIA; ATAXIA, EPISODIC, WITH NYSTAGMUS; ATAXIA, FAMILIAL PAROXYSMAL. Identifiers: Orphanet 97, MedGen C1720416, MONDO:0007163, OMIM 108500.
Developmental and epileptic encephalopathy, 42 (DEE42A). Also called: Epileptic encephalopathy, early infantile, 42; DEVELOPMENTAL AND EPILEPTIC ENCEPHALOPATHY 42A; EPILEPTIC ENCEPHALOPATHY, EARLY INFANTILE, 42A. Identifiers: MedGen C4310716, MONDO:0014917, OMIM 617106.

Submission:

Labcorp Genetics (formerly Invitae), Labcorp
Classification: Uncertain significance for Developmental and epileptic encephalopathy, 42; Episodic ataxia type 2. Last evaluated: 2023-03-04. Review status: criteria provided, single submitter. Criteria: Invitae Variant Classification Sherloc (09022015). Collection method: clinical testing. Allele origin: germline.
Comment: In summary, the available evidence is currently insufficient to determine the role of this variant in disease. Therefore, it has been classified as a Variant of Uncertain Significance. Advanced modeling of protein sequence and biophysical properties (such as structural, functional, and spatial information, amino acid conservation, physicochemical variation, residue mobility, and thermodynamic stability) performed at Invitae indicates that this missense variant is expected to disrupt CACNA1A protein function. This variant has not been reported in the literature in individuals affected with CACNA1A-related conditions. This variant is not present in population databases (gnomAD no frequency). This sequence change replaces arginine, which is basic and polar, with glutamine, which is neutral and polar, at codon 57 of the CACNA1A protein (p.Arg57Gln).